The following is an entry in ClinVar:

ClinVar aggregate classification (germline): Uncertain significance. Review status: criteria provided, multiple submitters, no conflicts (2 of 4 stars). 5 submissions from 5 submitters: Uncertain significance (5). Last evaluated 2024-09-20.

Conditions:
Inborn genetic diseases. Identifiers: MedGen C0950123, MeSH D030342.
Xeroderma pigmentosum, group D (XPD). Also called: XERODERMA PIGMENTOSUM, COMPLEMENTATION GROUP D; XERODERMA PIGMENTOSUM IV; XP, GROUP D; XP, GROUP H; ERCC2-Related Xeroderma Pigmentosum. Identifiers: MedGen C0268138, MONDO:0010212, OMIM 278730.

Allele frequency attached by ClinVar (database versions not stated): TOPMed 0.00002.

Submissions (5):

Labcorp Genetics (formerly Invitae), Labcorp
Classification: Uncertain significance. Last evaluated: 2024-09-20. Review status: criteria provided, single submitter. Criteria: Invitae Variant Classification Sherloc (09022015). Collection method: clinical testing. Allele origin: germline.
Comment: This sequence change replaces asparagine, which is neutral and polar, with threonine, which is neutral and polar, at codon 250 of the ERCC2 protein (p.Asn250Thr). The frequency data for this variant in the population databases is considered unreliable, as metrics indicate poor data quality at this position in the gnomAD database. This variant has not been reported in the literature in individuals affected with ERCC2-related conditions. ClinVar contains an entry for this variant (Variation ID: 329523). Invitae Evidence Modeling of protein sequence and biophysical properties (such as structural, functional, and spatial information, amino acid conservation, physicochemical variation, residue mobility, and thermodynamic stability) indicates that this missense variant is not expected to disrupt ERCC2 protein function with a negative predictive value of 80%. In summary, the available evidence is currently insufficient to determine the role of this variant in disease. Therefore, it has been classified as a Variant of Uncertain Significance.

CeGaT Center for Human Genetics Tuebingen
Classification: Uncertain significance. Last evaluated: 2023-10-01. Review status: criteria provided, single submitter. Criteria: CeGaT Center For Human Genetics Tuebingen Variant Classification Criteria Version 2. Collection method: clinical testing. Allele origin: germline. Affected: yes. Observed: 1 variant allele.
Comment: ERCC2: PM2

Ambry Genetics
Classification: Uncertain significance for Inborn genetic diseases. Last evaluated: 2022-10-04. Review status: criteria provided, single submitter. Criteria: Ambry Variant Classification Scheme 2023. Collection method: clinical testing. Allele origin: germline.
Comment: The p.N250T variant (also known as c.749A>C), located in coding exon 9 of the ERCC2 gene, results from an A to C substitution at nucleotide position 749. The asparagine at codon 250 is replaced by threonine, an amino acid with similar properties. This amino acid position is conserved. In addition, this alteration is predicted to be tolerated by in silico analysis. Since supporting evidence is limited at this time, the clinical significance of this alteration remains unclear.

Institute for Clinical Genetics, University Hospital TU Dresden, University Hospital TU Dresden
Classification: Uncertain significance. Last evaluated: 2021-11-03. Review status: criteria provided, single submitter. Criteria: ACMG Guidelines, 2015. Collection method: clinical testing. Allele origin: germline.

Illumina Laboratory Services, Illumina
Classification: Uncertain significance for Xeroderma pigmentosum, group D. Last evaluated: 2018-01-13. Review status: criteria provided, single submitter. Criteria: ICSL Variant Classification Criteria 13 December 2019. Collection method: clinical testing. Allele origin: germline.

NM_000400.4(ERCC2):c.749A>C (p.Asn250Thr)

Gene: ERCC2 (ERCC excision repair 2, TFIIH core complex helicase subunit; minus strand). Cytogenetic location: 19q13.32.
Variant type: single nucleotide variant.
Coding change: c.749A>C on transcript NM_000400.4 (MANE Select); coding-DNA position 749, A replaced by C.
Protein change: p.Asn250Thr; replaces asparagine 250 with threonine.
Molecular consequence: missense variant.
Genome position (GRCh38, 1-based): chr19:45,364,301, T>G on the plus strand (A>C on the coding strand, the complement: ERCC2 is on the minus strand). VCF-style: chr19-45364301-T-G. GRCh37 (hg19) VCF-style: chr19-45867559-T-G.
Other names: c.677A>C, p.Asn226Thr (NM_001130867.2); short protein forms N250T, N226T.
Identifiers: ClinVar variation 329523 (VCV000329523.37), dbSNP rs753889198, ClinGen allele CA9513641.
Genomic context (GRCh38, chr19:45,364,301, plus strand): 5'-ACCGTCTTCTGCAGGGTCTCCAGGTTGCCCTGGCACCGGTCAAGGGTCCGGCGGGTGAGG[T>G]TGACGCTCATGGAGTCGATGCAGACGTTGTCTGGAGAAGGGGGAGAGAGCCGGCTCAGGC-3'
Protein context (NP_000391.1, residues 240-260): DNVCIDSMSV[Asn250Thr]LTRRTLDRCQ